The following is an entry in ClinVar:

ClinVar aggregate classification (germline): Uncertain significance (1 of 4 stars; one submission).

Allele frequency attached by ClinVar (database versions not stated): gnomAD 0.00001; gnomAD exomes 0.00002 and 0.00003; TOPMed 0.00003; ExAC 0.00004.

Submission:

Labcorp Genetics (formerly Invitae), Labcorp
Classification: Uncertain significance. Last evaluated: 2024-03-04. Review status: criteria provided, single submitter. Criteria: Invitae Variant Classification Sherloc (09022015). Collection method: clinical testing. Allele origin: germline.
Comment: This sequence change creates a premature translational stop signal (p.Leu284Cysfs*10) in the CARD8 gene. It is expected to result in an absent or disrupted protein product. However, the current clinical and genetic evidence is not sufficient to establish whether loss-of-function variants in CARD8 cause disease. This variant is present in population databases (rs750044997, gnomAD 0.04%). This variant has not been reported in the literature in individuals affected with CARD8-related conditions. ClinVar contains an entry for this variant (Variation ID: 1450639). In summary, the available evidence is currently insufficient to determine the role of this variant in disease. Therefore, it has been classified as a Variant of Uncertain Significance.

NM_001184900.3(CARD8):c.999del (p.Leu334fs)

Gene: CARD8 (caspase recruitment domain family member 8; minus strand). Cytogenetic location: 19q13.33.
Variant type: Deletion.
Coding change: c.999del on transcript NM_001184900.3 (MANE Select); coding-DNA position 999, one base deleted (C; older notation c.999delC).
Protein change: p.Leu334fs; shifts the reading frame from leucine 334.
Molecular consequence: frameshift variant. On other transcripts: non-coding transcript variant (4).
Genome position (GRCh38, 1-based): chr19:48,230,474, G deleted on the plus strand (C on the coding strand, the reverse complement: CARD8 is on the minus strand). VCF-style (leftmost placement, unchanged base first): chr19-48230473-AG-A. GRCh37 (hg19) VCF-style: chr19-48733730-AG-A.
Other names: c.849del, p.Leu284fs (NM_001184901.1, NM_001351783.2, NM_001351788.2 and 2 more transcripts); c.999del, p.Leu334fs (NM_001184902.2, NM_001184903.1, NM_001351782.2); c.684del, p.Leu229fs (NM_001351784.2, NM_001351787.2, NM_001351791.2 and 1 more transcripts); c.663del, p.Leu222fs (NM_001351786.2); c.756del, p.Leu253fs (NM_001351790.2); c.681del, p.Leu228fs (NM_001365950.1); short protein forms L222fs, L229fs, L253fs, L284fs, L228fs, L334fs.
Identifiers: ClinVar variation 1450639 (VCV001450639.6), dbSNP rs750044997, ClinGen allele CA9547851.